The following is an entry in ClinVar:

NM_015599.3(PGM3):c.1415_1442dup (p.Asn482fs)

Genes: DOP1A (DOP1 leucine zipper like protein A; plus strand), PGM3 (phosphoglucomutase 3; minus strand). Cytogenetic location: 6q14.1.
Variant type: Duplication.
Coding change: c.1415_1442dup on transcript NM_015599.3 (MANE Select); coding-DNA positions 1415 to 1442, 28 bases duplicated (TTACACCCCCAGGATTACAGGAGGCAAT).
Protein change: p.Asn482fs; shifts the reading frame from asparagine 482.
Molecular consequence: frameshift variant. On other transcripts: non-coding transcript variant (2).
Genome position (GRCh38, 1-based): chr6:83,170,402-83,170,429, ATTGCCTCCTGTAATCCTGGGGGTGTAA duplicated on the plus strand (TTACACCCCCAGGATTACAGGAGGCAAT on the coding strand, the reverse complement: PGM3 is on the minus strand). VCF-style (leftmost placement, unchanged base first): chr6-83170401-G-GATTGCCTCCTGTAATCCTGGGGGTGTAA. GRCh37 (hg19) VCF-style: chr6-83880120-G-GATTGCCTCCTGTAATCCTGGGGGTGTAA.
Other names: c.1499_1526dup, p.Asn510fs (NM_001199917.2, NM_001367287.1); c.1172_1199dup, p.Asn401fs (NM_001199918.2); c.1415_1442dup, p.Asn482fs (NM_001199919.2); c.1292_1319dup, p.Asn441fs (NM_001367286.1); short protein forms N441fs, N510fs, N401fs, N482fs.
Identifiers: ClinVar variation 2899787 (VCV002899787.4), dbSNP rs2537974027, ClinGen allele CA2739273293.

ClinVar aggregate classification (germline): Pathogenic/Likely pathogenic. Review status: criteria provided, multiple submitters, no conflicts (2 of 4 stars). 2 submissions from 2 submitters: Pathogenic (1); Likely pathogenic (1). Last evaluated 2024-05-23.

Conditions:
Immunodeficiency 23 (IMD23). Also called: IMMUNODEFICIENCY WITH HYPER IgE AND COGNITIVE IMPAIRMENT; IMMUNODEFICIENCY-VASCULITIS-MYOCLONUS SYNDROME. Identifiers: Orphanet 443811, MedGen C4014371, MONDO:0014353, OMIM 615816.

Submissions (2):

Fulgent Genetics
Classification: Likely pathogenic for Immunodeficiency 23. Last evaluated: 2024-05-23. Review status: criteria provided, single submitter. Criteria: ACMG Guidelines, 2015. Collection method: clinical testing. Allele origin: germline.

Labcorp Genetics (formerly Invitae), Labcorp
Classification: Pathogenic for Immunodeficiency 23. Last evaluated: 2023-09-25. Review status: criteria provided, single submitter. Criteria: Invitae Variant Classification Sherloc (09022015). Collection method: clinical testing. Allele origin: germline.
Comment: This sequence change creates a premature translational stop signal (p.Asn510Tyrfs*11) in the PGM3 gene. It is expected to result in an absent or disrupted protein product. Loss-of-function variants in PGM3 are known to be pathogenic (PMID: 17548465, 24589341, 24931394). This variant is not present in population databases (gnomAD no frequency). This variant has not been reported in the literature in individuals affected with PGM3-related conditions. For these reasons, this variant has been classified as Pathogenic.

Literature cited by the submitters: PubMed 17548465 (cited by Labcorp Genetics (formerly Invitae), Labcorp); PubMed 24589341 (cited by Labcorp Genetics (formerly Invitae), Labcorp); PubMed 24931394 (cited by Labcorp Genetics (formerly Invitae), Labcorp).